The following is an entry in ClinVar:

NM_000171.4(GLRA1):c.1174A>G (p.Asn392Asp)

Gene: GLRA1 (glycine receptor alpha 1; minus strand). Cytogenetic location: 5q33.1.
Variant type: single nucleotide variant.
Coding change: c.1174A>G on transcript NM_000171.4 (MANE Select); coding-DNA position 1174, A replaced by G.
Protein change: p.Asn392Asp; replaces asparagine 392 with aspartic acid.
Molecular consequence: missense variant.
Genome position (GRCh38, 1-based): chr5:151,822,849, T>C on the plus strand (A>G on the coding strand, the complement: GLRA1 is on the minus strand). VCF-style: chr5-151822849-T-C. GRCh37 (hg19) VCF-style: chr5-151202410-T-C.
Other names: c.1198A>G, p.Asn400Asp (NM_001146040.2); c.925A>G, p.Asn309Asp (NM_001292000.2); short protein forms N392D, N400D, N309D.
Identifiers: ClinVar variation 532840 (VCV000532840.11), dbSNP rs775599403, ClinGen allele CA3523493.

ClinVar aggregate classification (germline): Conflicting classifications of pathogenicity. Review status: criteria provided, conflicting classifications (1 of 4 stars). 2 submissions from 2 submitters: Uncertain significance (1); Likely benign (1). Last evaluated 2026-01-28.

Conditions:
Hereditary hyperekplexia. Identifiers: Orphanet 3197, MedGen C4084968, MONDO:0021022.

Allele frequency attached by ClinVar (database versions not stated): gnomAD exomes 0.00001 and 0.00002; ExAC 0.00002; gnomAD 0.00005; TOPMed 0.00010.
gnomAD v4.1: 17 of 1,613,950 alleles (0.0011%); highest among the groups gnomAD compares: African/African-American, 0.023%; no homozygotes.

Submissions (2):

Labcorp Genetics (formerly Invitae), Labcorp
Classification: Likely benign for Hereditary hyperekplexia. Last evaluated: 2026-01-28. Review status: criteria provided, single submitter. Criteria: Invitae Variant Classification Sherloc (09022015). Collection method: clinical testing. Allele origin: germline.

Women's Health and Genetics/Laboratory Corporation of America, LabCorp
Classification: Uncertain significance. Last evaluated: 2024-09-04. Review status: criteria provided, single submitter. Criteria: LabCorp Variant Classification Summary - May 2015. Collection method: clinical testing. Allele origin: germline.
Comment: Variant summary: GLRA1 c.1174A>G (p.Asn392Asp) results in a conservative amino acid change in the encoded protein sequence. Four of five in-silico tools predict a benign effect of the variant on protein function. The variant allele was found at a frequency of 2.4e-05 in 251378 control chromosomes. The available data on variant occurrences in the general population are insufficient to allow any conclusion about variant significance. To our knowledge, no occurrence of c.1174A>G in individuals affected with Hyperekplexia 1 and no experimental evidence demonstrating its impact on protein function have been reported. ClinVar contains an entry for this variant (Variation ID: 532840). Based on the evidence outlined above, the variant was classified as uncertain significance.